The following is an entry in ClinVar:

ClinVar aggregate classification (germline): Pathogenic/Likely pathogenic. Review status: criteria provided, multiple submitters, no conflicts (2 of 4 stars). 3 submissions from 3 submitters: Pathogenic (1); Likely pathogenic (2). Last evaluated 2024-09-06.

Conditions:
Mitochondrial trifunctional protein deficiency. Identifiers: Orphanet 746, MedGen C1969443, MONDO:0012172.
Mitochondrial trifunctional protein deficiency 2 (MTPD2). Identifiers: MedGen C5830374, MONDO:0958185, OMIM 620300.
Mitochondrial trifunctional protein deficiency 1 (MTPD1). Identifiers: MedGen CN376812, MONDO:0958181, OMIM 609015.

Allele frequency attached by ClinVar (database versions not stated): gnomAD exomes below 0.00001.
gnomAD v4.1: 3 of 1,606,986 alleles (0.00019%); highest among the groups gnomAD compares: East Asian, 0.0022%; no homozygotes.

Submissions (3):

Labcorp Genetics (formerly Invitae), Labcorp
Classification: Pathogenic for Mitochondrial trifunctional protein deficiency. Last evaluated: 2024-09-06. Review status: criteria provided, single submitter. Criteria: Invitae Variant Classification Sherloc (09022015). Collection method: clinical testing. Allele origin: germline.
Comment: This sequence change falls in intron 15 of the HADHB gene. It does not directly change the encoded amino acid sequence of the HADHB protein. RNA analysis indicates that this variant induces altered splicing and likely results in a shortened protein product. This variant is present in population databases (no rsID available, gnomAD 0.006%). This variant has been observed in individual(s) with clinical features of HADHB-related conditions (PMID: 34543737). In at least one individual the data is consistent with being in trans (on the opposite chromosome) from a pathogenic variant. Variants that disrupt the consensus splice site are a relatively common cause of aberrant splicing (PMID: 17576681, 9536098). Studies have shown that this variant results in skipping of exon 15, but is expected to preserve the integrity of the reading-frame (PMID: 34543737). For these reasons, this variant has been classified as Pathogenic.

Baylor Genetics
Classification: Likely pathogenic for Mitochondrial trifunctional protein deficiency 1. Last evaluated: 2024-02-07. Review status: criteria provided, single submitter. Criteria: ACMG Guidelines, 2015. Collection method: clinical testing. Allele origin: unknown.

Juno Genomics, Hangzhou Juno Genomics, Inc
Classification: Likely pathogenic for Mitochondrial trifunctional protein deficiency 2. Review status: criteria provided, single submitter. Criteria: ACMG Guidelines, 2015. Collection method: clinical testing. Allele origin: germline.
Comment: Absent from controls (or at extremely low frequency if recessive) in Genome Aggregation Database.;Null variant in a gene where loss of function (LOF) is a known mechanism of disease.;For recessive disorders, detected in trans with a pathogenic variant.;Patient's phenotype or family history is highly specific for a disease with a single genetic etiology.

Literature cited by the submitters: PubMed 34543737 (cited by Labcorp Genetics (formerly Invitae), Labcorp); PubMed 17576681 (cited by Labcorp Genetics (formerly Invitae), Labcorp); PubMed 9536098 (cited by Labcorp Genetics (formerly Invitae), Labcorp).

NM_000183.3(HADHB):c.1389+5G>A

Gene: HADHB (hydroxyacyl-CoA dehydrogenase trifunctional multienzyme complex subunit beta; plus strand). Cytogenetic location: 2p23.3.
Variant type: single nucleotide variant.
Coding change: c.1389+5G>A on transcript NM_000183.3 (MANE Select); 5 bases into the intron after coding-DNA position 1389, G replaced by A.
Molecular consequence: intron variant.
Genome position (GRCh38, 1-based): chr2:26,285,576, G>A. VCF-style: chr2-26285576-G-A. GRCh37 (hg19) VCF-style: chr2-26508444-G-A.
Other names: c.1323+5G>A (NM_001281513.2); c.1344+5G>A (NM_001281512.2).
Identifiers: ClinVar variation 2675982 (VCV002675982.7), dbSNP rs1156245096, ClinGen allele CA531395199.